The following is an entry in ClinVar:

NM_004667.6(HERC2):c.11683C>T (p.Arg3895Cys)

Gene: HERC2 (HECT and RLD domain containing E3 ubiquitin protein ligase 2; minus strand). Cytogenetic location: 15q13.1.
Variant type: single nucleotide variant.
Coding change: c.11683C>T on transcript NM_004667.6 (MANE Select); coding-DNA position 11683, C replaced by T.
Protein change: p.Arg3895Cys; replaces arginine 3895 with cysteine.
Molecular consequence: missense variant.
Genome position (GRCh38, 1-based): chr15:28,142,255, G>A on the plus strand (C>T on the coding strand, the complement: HERC2 is on the minus strand). VCF-style: chr15-28142255-G-A. GRCh37 (hg19) VCF-style: chr15-28387401-G-A.
Other names: c.11683C>T (NM_004667.5); short protein forms R3895C.
Identifiers: ClinVar variation 3857550 (VCV003857550.2).

ClinVar aggregate classification (germline): Uncertain significance. Review status: criteria provided, multiple submitters, no conflicts (2 of 4 stars). 2 submissions from 2 submitters: Uncertain significance (2). Last evaluated 2025-01-19.

Conditions:
Inborn genetic diseases. Identifiers: MedGen C0950123, MeSH D030342.

gnomAD v4.1: 22 of 1,613,868 alleles (0.0014%); highest among the groups gnomAD compares: African/African-American, 0.0067%; no homozygotes.

Submissions (2):

Ambry Genetics
Classification: Uncertain significance for Inborn genetic diseases. Last evaluated: 2025-01-19. Review status: criteria provided, single submitter. Criteria: Ambry Variant Classification Scheme 2023. Collection method: clinical testing. Allele origin: germline.

GeneDx
Classification: Uncertain significance. Last evaluated: 2024-10-31. Review status: criteria provided, single submitter. Criteria: GeneDx Variant Classification Process June 2021. Collection method: clinical testing. Allele origin: germline. Affected: yes.
Comment: In silico analysis supports that this missense variant has a deleterious effect on protein structure/function; Has not been previously published as pathogenic or benign to our knowledge